The following is an entry in ClinVar:

NM_003718.5(CDK13):c.521C>T (p.Thr174Met)

Gene: CDK13 (cyclin dependent kinase 13; plus strand). Cytogenetic location: 7p14.1.
Variant type: single nucleotide variant.
Coding change: c.521C>T on transcript NM_003718.5 (MANE Select); coding-DNA position 521, C replaced by T.
Protein change: p.Thr174Met; replaces threonine 174 with methionine.
Molecular consequence: missense variant.
Genome position (GRCh38, 1-based): chr7:39,951,162, C>T. VCF-style: chr7-39951162-C-T. GRCh37 (hg19) VCF-style: chr7-39990761-C-T.
Other names: c.521C>T, p.Thr174Met (NM_031267.4); short protein forms T174M.
Identifiers: ClinVar variation 2140155 (VCV002140155.6), dbSNP rs995209864, ClinGen allele CA157707178.

ClinVar aggregate classification (germline): Uncertain significance. Review status: criteria provided, multiple submitters, no conflicts (2 of 4 stars). 2 submissions from 2 submitters: Uncertain significance (2). Last evaluated 2026-03-10.

Conditions:
Inborn genetic diseases. Identifiers: MedGen C0950123, MeSH D030342.

Allele frequency attached by ClinVar (database versions not stated): TOPMed 0.00006; gnomAD 0.00007.
gnomAD v4.1: 178 of 1,241,958 alleles (0.014%); highest among the groups gnomAD compares: Non-Finnish European, 0.017%; no homozygotes.

Submissions (2):

Ambry Genetics
Classification: Uncertain significance for Inborn genetic diseases. Last evaluated: 2026-03-10. Review status: criteria provided, single submitter. Criteria: Ambry Variant Classification Scheme 2023. Collection method: clinical testing. Allele origin: germline.

Labcorp Genetics (formerly Invitae), Labcorp
Classification: Uncertain significance. Last evaluated: 2024-04-22. Review status: criteria provided, single submitter. Criteria: Invitae Variant Classification Sherloc (09022015). Collection method: clinical testing. Allele origin: germline.
Comment: This sequence change replaces threonine, which is neutral and polar, with methionine, which is neutral and non-polar, at codon 174 of the CDK13 protein (p.Thr174Met). This variant is not present in population databases (gnomAD no frequency). This variant has not been reported in the literature in individuals affected with CDK13-related conditions. ClinVar contains an entry for this variant (Variation ID: 2140155). Advanced modeling of protein sequence and biophysical properties (such as structural, functional, and spatial information, amino acid conservation, physicochemical variation, residue mobility, and thermodynamic stability) performed at Invitae indicates that this missense variant is not expected to disrupt CDK13 protein function with a negative predictive value of 95%. In summary, the available evidence is currently insufficient to determine the role of this variant in disease. Therefore, it has been classified as a Variant of Uncertain Significance.